The following is an entry in ClinVar:

ClinVar aggregate classification (germline): Conflicting classifications of pathogenicity. Review status: criteria provided, conflicting classifications (1 of 4 stars). 2 submissions from 2 submitters: Uncertain significance (1); Likely benign (1). Last evaluated 2024-07-04.

Conditions:
Birt-Hogg-Dube syndrome. Also called: Birt Hogg Dubé syndrome. Identifiers: Orphanet 122, MedGen C0346010, MONDO:0800444.
Hereditary cancer-predisposing syndrome. Also called: Tumor predisposition; Neoplastic Syndromes, Hereditary; Hereditary Cancer Syndrome; Hereditary neoplastic syndrome. Identifiers: Orphanet 140162, MedGen C0027672, MeSH D009386, MONDO:0015356.

Allele frequency attached by ClinVar (database versions not stated): gnomAD exomes below 0.00001; TOPMed below 0.00001.
gnomAD v4.1: 7 of 1,614,144 alleles (0.00043%); highest among the groups gnomAD compares: Non-Finnish European, 0.00051%; no homozygotes.

Submissions (2):

Labcorp Genetics (formerly Invitae), Labcorp
Classification: Uncertain significance for Birt-Hogg-Dube syndrome. Last evaluated: 2024-07-04. Review status: criteria provided, single submitter. Criteria: Invitae Variant Classification Sherloc (09022015). Collection method: clinical testing. Allele origin: germline.
Comment: This sequence change replaces isoleucine, which is neutral and non-polar, with methionine, which is neutral and non-polar, at codon 486 of the FLCN protein (p.Ile486Met). This variant is not present in population databases (gnomAD no frequency). This variant has not been reported in the literature in individuals affected with FLCN-related conditions. ClinVar contains an entry for this variant (Variation ID: 1773095). Advanced modeling of protein sequence and biophysical properties (such as structural, functional, and spatial information, amino acid conservation, physicochemical variation, residue mobility, and thermodynamic stability) performed at Invitae indicates that this missense variant is not expected to disrupt FLCN protein function with a negative predictive value of 80%. In summary, the available evidence is currently insufficient to determine the role of this variant in disease. Therefore, it has been classified as a Variant of Uncertain Significance.

Ambry Genetics
Classification: Likely benign for Hereditary cancer-predisposing syndrome. Last evaluated: 2020-04-30. Review status: criteria provided, single submitter. Criteria: Ambry Variant Classification Scheme 2023. Collection method: clinical testing. Allele origin: germline.

NM_144997.7(FLCN):c.1458T>G (p.Ile486Met)

Gene: FLCN (folliculin; minus strand). Cytogenetic location: 17p11.2.
Variant type: single nucleotide variant.
Coding change: c.1458T>G on transcript NM_144997.7 (MANE Select); coding-DNA position 1458, T replaced by G.
Protein change: p.Ile486Met; replaces isoleucine 486 with methionine.
Molecular consequence: missense variant.
Genome position (GRCh38, 1-based): chr17:17,215,065, A>C on the plus strand (T>G on the coding strand, the complement: FLCN is on the minus strand). VCF-style: chr17-17215065-A-C. GRCh37 (hg19) VCF-style: chr17-17118379-A-C.
Other names: c.1512T>G, p.Ile504Met (NM_001353229.2); c.1458T>G, p.Ile486Met (NM_001353230.2, NM_001353231.2); short protein forms I504M, I486M.
Identifiers: ClinVar variation 1773095 (VCV001773095.7), dbSNP rs1206559440, ClinGen allele CA398530980.